The following is an entry in ClinVar:

ClinVar aggregate classification (germline): Uncertain significance. Review status: criteria provided, multiple submitters, no conflicts (2 of 4 stars). 2 submissions from 2 submitters: Uncertain significance (2). Last evaluated 2024-01-19.

Conditions:
Immunodeficiency 104. Also called: IMMUNODEFICIENCY 104, SEVERE COMBINED; SCID, AUTOSOMAL RECESSIVE, T CELL-NEGATIVE, B CELL-POSITIVE, NK CELL-POSITIVE; Severe Combined Immune Deficiency, Autosomal Recessive, TCell -Negative, B Cell-Positive, NK Cell-Positive, IL7R-Related; Severe combined immunodeficiency, autosomal recessive, T cell-negative, B cell-positive, NK cell-positive. Identifiers: MedGen C5676890, MONDO:0012163, OMIM 608971.

Allele frequency attached by ClinVar (database versions not stated): gnomAD below 0.00001 and 0.00002; gnomAD exomes 0.00002 and 0.00003; ExAC 0.00003.
gnomAD v4.1: 26 of 1,612,366 alleles (0.0016%); highest among the groups gnomAD compares: South Asian, 0.027%; no homozygotes.

Submissions (2):

Labcorp Genetics (formerly Invitae), Labcorp
Classification: Uncertain significance for Immunodeficiency 104. Last evaluated: 2024-01-19. Review status: criteria provided, single submitter. Criteria: Invitae Variant Classification Sherloc (09022015). Collection method: clinical testing. Allele origin: germline.
Comment: This sequence change replaces valine, which is neutral and non-polar, with glycine, which is neutral and non-polar, at codon 127 of the IL7R protein (p.Val127Gly). This variant is present in population databases (rs751109965, gnomAD 0.02%). This variant has not been reported in the literature in individuals affected with IL7R-related conditions. ClinVar contains an entry for this variant (Variation ID: 849816). An algorithm developed to predict the effect of missense changes on protein structure and function (PolyPhen-2) suggests that this variant is likely to be disruptive. In summary, the available evidence is currently insufficient to determine the role of this variant in disease. Therefore, it has been classified as a Variant of Uncertain Significance.

Neuberg Centre For Genomic Medicine, NCGM
Classification: Uncertain significance for Immunodeficiency 104. Last evaluated: 2023-05-20. Review status: criteria provided, single submitter. Criteria: ACMG Guidelines, 2015. Collection method: clinical testing. Allele origin: germline. Inheritance: Autosomal recessive inheritance. Affected: yes.
Comment: The observed missense c.380T>G(p.Val127Gly) variant in IL7R gene has not been reported previously as a pathogenic variant nor as a benign variant, to our knowledge. This variant is reported with the allele frequency of 0.003% in the gnomAD Exomes. This variant has been reported to the ClinVar database as Uncertain Significance. However, no details are available for independent assessment. The amino acid Val at position 127 is changed to a Gly changing protein sequence and it might alter its composition and physico-chemical properties. The amino acid change p.Val127Gly in IL7R is predicted as conserved by GERP++ and PhyloP across 100 vertebrates. Multiple lines of computational evidence (Polyphen - Damaging, SIFT - Damaging and MutationTaster - Disease causing) predict a damaging effect on protein structure and function for this variant. For these reasons, this variant has been classified as Uncertain Significance.

NM_002185.5(IL7R):c.380T>G (p.Val127Gly)

Gene: IL7R (interleukin 7 receptor; plus strand). Cytogenetic location: 5p13.2.
Variant type: single nucleotide variant.
Coding change: c.380T>G on transcript NM_002185.5 (MANE Select); coding-DNA position 380, T replaced by G.
Protein change: p.Val127Gly; replaces valine 127 with glycine.
Molecular consequence: missense variant. On other transcripts: non-coding transcript variant (1).
Genome position (GRCh38, 1-based): chr5:35,871,056, T>G. VCF-style: chr5-35871056-T-G. GRCh37 (hg19) VCF-style: chr5-35871158-T-G.
Other names: short protein forms V127G.
Identifiers: ClinVar variation 849816 (VCV000849816.8), dbSNP rs751109965, ClinGen allele CA3231957.